The following is an entry in ClinVar:

ClinVar aggregate classification (germline): Benign. Review status: criteria provided, multiple submitters, no conflicts (2 of 4 stars). 2 submissions from 2 submitters: Benign (2). Last evaluated 2018-01-13.

Conditions:
Factor 5 and Factor VIII, combined deficiency of, 2. Identifiers: Orphanet 35909, MedGen C3150889, MONDO:0013331, OMIM 613625.

Allele frequency attached by ClinVar (database versions not stated): 1000 Genomes Project 30x 0.14475; gnomAD exomes 0.06431; gnomAD 0.11926; TOPMed 0.13265; 1000 Genomes Project 0.14018.
gnomAD v4.1: 18,705 of 153,612 alleles (12%); highest among the groups gnomAD compares: African/African-American, 24%; 1,647 homozygotes.

Submissions (2):

Illumina Laboratory Services, Illumina
Classification: Benign for Factor 5 and Factor VIII, combined deficiency of, 2. Last evaluated: 2018-01-13. Review status: criteria provided, single submitter. Criteria: ICSL Variant Classification Criteria 13 December 2019. Collection method: clinical testing. Allele origin: germline.
Comment: This variant was observed in the ICSL laboratory as part of a predisposition screen in an ostensibly healthy population. It had not been previously curated by ICSL or reported in the Human Gene Mutation Database (HGMD: prior to June 1st, 2018), and was therefore a candidate for classification through an automated scoring system. Utilizing variant allele frequency, disease prevalence and penetrance estimates, and inheritance mode, an automated score was calculated to assess if this variant is too frequent to cause the disease. Based on the score and internal cut-off values, a variant classified as benign is not then subjected to further curation. The score for this variant resulted in a classification of benign for this disease.

Breakthrough Genomics
Classification: Benign. Review status: criteria provided, single submitter. Criteria: ACMG Guidelines, 2015. Collection method: not provided. Allele origin: germline. Inheritance: Unknown mechanism. Affected: yes.

NM_139279.6(MCFD2):c.*693G>C

Genes: MCFD2 (multiple coagulation factor deficiency 2, ER cargo receptor complex subunit; minus strand), MCFD2-AS1 (MCFD2 antisense RNA 1; plus strand). Cytogenetic location: 2p21.
Variant type: single nucleotide variant.
Coding change: c.*693G>C on transcript NM_139279.6 (MANE Select); 693 bases downstream of the stop codon, G replaced by C.
Molecular consequence: 3 prime UTR variant.
Genome position (GRCh38, 1-based): chr2:46,904,770, C>G on the plus strand (G>C on the coding strand, the complement: MCFD2 is on the minus strand). VCF-style: chr2-46904770-C-G. GRCh37 (hg19) VCF-style: chr2-47131909-C-G.
Other names: c.*693G>C (NM_001171506.2, NM_001171507.2, NM_001171508.2 and 3 more transcripts).
Identifiers: ClinVar variation 336368 (VCV000336368.6), dbSNP rs28516550, ClinGen allele CA10613549.